The following is an entry in ClinVar:

NM_001394062.1(MACF1):c.7194C>A (p.Ala2398=)

Gene: MACF1 (microtubule actin crosslinking factor 1; plus strand). Cytogenetic location: 1p34.3.
Variant type: single nucleotide variant.
Coding change: c.7194C>A on transcript NM_001394062.1 (MANE Select); coding-DNA position 7194, C replaced by A.
Protein change: p.Ala2398=; no amino-acid change (alanine 2398 retained).
Molecular consequence: synonymous variant. On other transcripts: intron variant (1).
Genome position (GRCh38, 1-based): chr1:39,333,782, C>A. VCF-style: chr1-39333782-C-A. GRCh37 (hg19) VCF-style: chr1-39799454-C-A.
Other names: c.4629+6429C>A (NM_012090.5).
Identifiers: ClinVar variation 1319797 (VCV001319797.27), dbSNP rs141334491, ClinGen allele CA780764.

ClinVar aggregate classification (germline): Conflicting classifications of pathogenicity. Review status: criteria provided, conflicting classifications (1 of 4 stars). 3 submissions from 3 submitters: Uncertain significance (1); Likely benign (2). Last evaluated 2025-12-01.

Allele frequency attached by ClinVar (database versions not stated): 1000 Genomes Project 30x 0.00062; 1000 Genomes Project 0.00080; TOPMed 0.00284; ESP Exome Variant Server 0.00300; gnomAD 0.00328 and 0.00339; gnomAD exomes 0.00331 and 0.00425; ExAC 0.00338.
gnomAD v4.1: 6,680 of 1,614,170 alleles (0.41%); highest among the groups gnomAD compares: Non-Finnish European, 0.51%; 25 homozygotes.

Submissions (3):

CeGaT Center for Human Genetics Tuebingen
Classification: Likely benign. Last evaluated: 2025-12-01. Review status: criteria provided, single submitter. Criteria: CeGaT Center For Human Genetics Tuebingen Variant Classification Criteria Version 2. Collection method: clinical testing. Allele origin: germline. Affected: yes. Observed: 11 variant alleles.
Comment: MACF1: BP4, BP7, BS2

Blueprint Genetics
Classification: Likely benign. Last evaluated: 2023-03-13. Review status: criteria provided, single submitter. Criteria: ACMG Guidelines, 2015. Collection method: clinical testing. Allele origin: germline.

Institute for Clinical Genetics, University Hospital TU Dresden, University Hospital TU Dresden
Classification: Uncertain significance. Last evaluated: 2021-11-03. Review status: criteria provided, single submitter. Criteria: ACMG Guidelines, 2015. Collection method: clinical testing. Allele origin: germline.